The following is an entry in ClinVar:

NM_020708.5(SLC12A5):c.30C>A (p.Asp10Glu)

Gene: SLC12A5 (solute carrier family 12 member 5; plus strand). Cytogenetic location: 20q13.12.
Variant type: single nucleotide variant.
Coding change: c.30C>A on transcript NM_020708.5 (MANE Select); coding-DNA position 30, C replaced by A.
Protein change: p.Asp10Glu; replaces aspartic acid 10 with glutamic acid.
Molecular consequence: missense variant. On other transcripts: intron variant (1).
Genome position (GRCh38, 1-based): chr20:46,029,374, C>A. VCF-style: chr20-46029374-C-A. GRCh37 (hg19) VCF-style: chr20-44658013-C-A.
Other names: c.122-5574C>A (NM_001134771.2); short protein forms D10E.
Identifiers: ClinVar variation 1414497 (VCV001414497.3), dbSNP rs933771451, ClinGen allele CA315646569.

ClinVar aggregate classification (germline): Uncertain significance (1 of 4 stars; one submission).

Conditions:
Developmental and epileptic encephalopathy, 34 (DEE34). Also called: SLC12A5-Related Epilepsy of Infancy with Migrating Focal Seizures; Early infantile epileptic encephalopathy 34. Identifiers: Orphanet 293181, MedGen C4225257, MONDO:0014718, OMIM 616645.

Allele frequency attached by ClinVar (database versions not stated): gnomAD 0.00001 and 0.00002; gnomAD exomes 0.00001.

Submission:

Labcorp Genetics (formerly Invitae), Labcorp
Classification: Uncertain significance for Developmental and epileptic encephalopathy, 34. Last evaluated: 2022-10-25. Review status: criteria provided, single submitter. Criteria: Invitae Variant Classification Sherloc (09022015). Collection method: clinical testing. Allele origin: germline.
Comment: This sequence change replaces aspartic acid, which is acidic and polar, with glutamic acid, which is acidic and polar, at codon 10 of the SLC12A5 protein (p.Asp10Glu). The frequency data for this variant in the population databases is considered unreliable, as metrics indicate poor data quality at this position in the gnomAD database. This variant has not been reported in the literature in individuals affected with SLC12A5-related conditions. ClinVar contains an entry for this variant (Variation ID: 1414497). Advanced modeling of protein sequence and biophysical properties (such as structural, functional, and spatial information, amino acid conservation, physicochemical variation, residue mobility, and thermodynamic stability) performed at Invitae indicates that this missense variant is not expected to disrupt SLC12A5 protein function. In summary, the available evidence is currently insufficient to determine the role of this variant in disease. Therefore, it has been classified as a Variant of Uncertain Significance.